The following is an entry in ClinVar:

NM_000443.4(ABCB4):c.370G>T (p.Gly124Cys)

Gene: ABCB4 (ATP binding cassette subfamily B member 4; minus strand). Cytogenetic location: 7q21.12.
Variant type: single nucleotide variant.
Coding change: c.370G>T on transcript NM_000443.4 (MANE Select); coding-DNA position 370, G replaced by T.
Protein change: p.Gly124Cys; replaces glycine 124 with cysteine.
Molecular consequence: missense variant.
Genome position (GRCh38, 1-based): chr7:87,453,110, C>A on the plus strand (G>T on the coding strand, the complement: ABCB4 is on the minus strand). VCF-style: chr7-87453110-C-A. GRCh37 (hg19) VCF-style: chr7-87082426-C-A.
Other names: c.370G>T, p.Gly124Cys (NM_018849.3, NM_018850.3); short protein forms G124C.
Identifiers: ClinVar variation 594004 (VCV000594004.6), dbSNP rs1562989807, ClinGen allele CA368054860.

ClinVar aggregate classification (germline): Uncertain significance. Review status: criteria provided, multiple submitters, no conflicts (2 of 4 stars). 2 submissions from 2 submitters: Uncertain significance (2). Last evaluated 2026-04-14.

Conditions:
Familial intrahepatic cholestasis. Identifiers: Orphanet 284385, MedGen CN296401, MONDO:0017290.
Low phospholipid associated cholelithiasis (GBD1). Also called: Gallstone cholecystitis; Gallbladder disease 1. Identifiers: Orphanet 69663, MedGen C2609268, MONDO:0010939, OMIM 600803.

Allele frequency attached by ClinVar (database versions not stated): gnomAD exomes below 0.00001.
gnomAD v4.1: 1 of 1,613,976 alleles (0.000062%); highest among the groups gnomAD compares: South Asian, 0.0011%; no homozygotes.

Submissions (2):

Genomenon, Inc
Classification: Uncertain significance for Familial intrahepatic cholestasis; Low phospholipid associated cholelithiasis. Last evaluated: 2026-04-14. Review status: criteria provided, single submitter. Criteria: Genomenon Sequence Variant Interpretation Standards - Updated. Collection method: curation. Allele origin: germline. Affected: no.
Comment: ABCB4 p.Gly124Cys (c.370G>T) is a missense variant that changes the amino acid at residue 124 from Glycine to Cysteine. This variant has been reported in the published literature (PMID:37208429). It is absent or not present at a significant frequency in gnomAD. In silico models predict that this variant is possibly or probably damaging. In conclusion, we classify ABCB4 p.Gly124Cys (c.370G>T) as a variant of uncertain significance.

Eurofins Ntd Llc (ga)
Classification: Uncertain significance. Last evaluated: 2017-09-07. Review status: criteria provided, single submitter. Criteria: EGL Classification Definitions 2015. Collection method: clinical testing. Allele origin: germline. Observed: 1 variant allele, 1 heterozygote.

Literature cited by the submitters: PubMed 37208429 (cited by Genomenon, Inc).